The following is an entry in ClinVar:

NM_012208.4(HARS2):c.7C>G (p.Leu3Val)

Genes: HARS2 (histidyl-tRNA synthetase 2, mitochondrial; plus strand), LOC119407423 (HARS1 and HARS2 bidirectional promoter region; plus strand). Cytogenetic location: 5q31.3.
Variant type: single nucleotide variant.
Coding change: c.7C>G on transcript NM_012208.4 (MANE Select); coding-DNA position 7, C replaced by G.
Protein change: p.Leu3Val; replaces leucine 3 with valine.
Molecular consequence: missense variant. On other transcripts: 5 prime UTR variant (1), intron variant (1).
Genome position (GRCh38, 1-based): chr5:140,691,655, C>G. VCF-style: chr5-140691655-C-G. GRCh37 (hg19) VCF-style: chr5-140071240-C-G.
Other names: p.L3V:CTG>GTG; c.7C>G, p.Leu3Val (NM_001278731.2, NM_001363535.2); c.-304C>G (NM_001278732.2); c.-326+140C>G (NM_001363536.2); short protein forms L3V.
Identifiers: ClinVar variation 137536 (VCV000137536.46), dbSNP rs186043734, ClinGen allele CA291164.
Genomic context (GRCh38, chr5:140,691,655, plus strand): 5'-CCTCCTTCCCAGGCCTTTTGTTCCTGTCCCGGAAAGCCGGCGTCCTGCCGCGCGATGCCC[C>G]TGCTCGGACTTCTTCCCAGGAGGGCCTGGGCTTCGCTGCTCAGCCAGCTCCTGCGACCGC-3'
Protein context (NP_036340.1, residues 1-13): MP[Leu3Val]LGLLPRRAWA

ClinVar aggregate classification (germline): Conflicting classifications of pathogenicity. Review status: criteria provided, conflicting classifications (1 of 4 stars). 6 submissions from 6 submitters: Uncertain significance (1); Benign (2); Likely benign (3). Last evaluated 2026-01-19.

Allele frequency attached by ClinVar (database versions not stated): ESP Exome Variant Server 0.00080; 1000 Genomes Project 0.00120; ExAC 0.00121; 1000 Genomes Project 30x 0.00125; TOPMed 0.00125; gnomAD exomes 0.00216 and 0.00289; gnomAD 0.00273 and 0.00279.
gnomAD v4.1: 3,427 of 1,549,654 alleles (0.22%); highest among the groups gnomAD compares: Middle Eastern, 1%; 14 homozygotes.

Submissions (6):

Labcorp Genetics (formerly Invitae), Labcorp
Classification: Benign. Last evaluated: 2026-01-19. Review status: criteria provided, single submitter. Criteria: Invitae Variant Classification Sherloc (09022015). Collection method: clinical testing. Allele origin: germline.

CeGaT Center for Human Genetics Tuebingen
Classification: Likely benign. Last evaluated: 2026-01-01. Review status: criteria provided, single submitter. Criteria: CeGaT Center For Human Genetics Tuebingen Variant Classification Criteria Version 2. Collection method: clinical testing. Allele origin: germline. Affected: yes. Observed: 5 variant alleles.
Comment: HARS2: BP4, BS2

Blueprint Genetics
Classification: Likely benign. Last evaluated: 2024-11-21. Review status: criteria provided, single submitter. Criteria: ACMG Guidelines, 2015. Collection method: clinical testing. Allele origin: germline.

Laboratory for Molecular Medicine, Mass General Brigham Personalized Medicine
Classification: Likely benign. Last evaluated: 2016-09-06. Review status: criteria provided, single submitter. Criteria: LMM Criteria. Collection method: clinical testing. Allele origin: germline. Observed: 9 variant alleles.
Comment: p.Leu3Val in exon 1 of HARS2: This variant is not expected to have clinical sign ificance because the leucine (Leu) at this position is not conserved through spe cies, with >5 mammals having a valine (Val) at this position. Furthermore, it h as been in 0.1% (9/6124) of European chromosomes and 0.1% (10/7898) of South Asi an chromosomes by the Exome Aggregation Consortium (ExAC,, dbSNP rs186043734).

Eurofins Ntd Llc (ga)
Classification: Uncertain significance. Last evaluated: 2016-06-22. Review status: criteria provided, single submitter. Criteria: EGL Classification Definitions 2015. Collection method: clinical testing. Allele origin: germline. Observed: 1 variant allele, 1 heterozygote.

GeneDx
Classification: Benign. Last evaluated: 2014-04-21. Review status: criteria provided, single submitter. Criteria: GeneDx Variant Classification (06012015). Collection method: clinical testing. Allele origin: germline. Affected: yes.
Comment: This variant is considered likely benign or benign based on one or more of the following criteria: it is a conservative change, it occurs at a poorly conserved position in the protein, it is predicted to be benign by multiple in silico algorithms, and/or has population frequency not consistent with disease.